The following is an entry in ClinVar:

ClinVar aggregate classification (germline): Uncertain significance. Review status: criteria provided, multiple submitters, no conflicts (2 of 4 stars). 4 submissions from 4 submitters: Uncertain significance (4). Last evaluated 2026-08-01.

Conditions:
Wilson disease (WND). Also called: Wilson's disease. Identifiers: Orphanet 905, MedGen C0019202, MONDO:0010200, OMIM 277900. Disease mechanism: loss of function.

Allele frequency attached by ClinVar (database versions not stated): gnomAD exomes below 0.00001; ExAC 0.00003; gnomAD 0.00006; ESP Exome Variant Server 0.00008; TOPMed 0.00010.

Submissions (4):

CeGaT Center for Human Genetics Tuebingen
Classification: Uncertain significance. Last evaluated: 2026-08-01. Review status: criteria provided, single submitter. Criteria: CeGaT Center For Human Genetics Tuebingen Variant Classification Criteria Version 2. Collection method: clinical testing. Allele origin: germline. Affected: yes. Observed: 1 variant allele.
Comment: ATP7B: PM2, BP4

All of Us Research Program, National Institutes of Health
Classification: Uncertain significance for Wilson disease. Last evaluated: 2024-09-23. Review status: criteria provided, single submitter. Criteria: ACMG Guidelines, 2015. Collection method: clinical testing. Allele origin: germline. Inheritance: Autosomal recessive inheritance. Observed: 5 variant alleles, 5 heterozygotes.
Comment: This missense variant replaces valine with isoleucine at codon 1425 of the ATP7B protein. Computational prediction suggests that this variant may not impact protein structure and function (internally defined REVEL score threshold <= 0.5, PMID: 27666373). To our knowledge, functional studies have not been reported for this variant. This variant has not been reported in individuals affected with Wilson disease in the literature. This variant has been identified in 8/280730 chromosomes in the general population by the Genome Aggregation Database (gnomAD). The available evidence is insufficient to determine the role of this variant in disease conclusively. Therefore, this variant is classified as a Variant of Uncertain Significance.

This study involves interpretation of variants in research participants for the purpose of population health screening. Participant phenotype was not available at the time of variant classification. Additional details can be found in publication PMID: 35346344, PMCID: PMC8962531

Color Diagnostics, LLC DBA Color Health
Classification: Uncertain significance for Wilson disease. Last evaluated: 2024-03-06. Review status: criteria provided, single submitter. Criteria: ACMG Guidelines, 2015. Collection method: clinical testing. Allele origin: germline.
Comment: This missense variant replaces valine with isoleucine at codon 1425 of the ATP7B protein. Computational prediction suggests that this variant may not impact protein structure and function. To our knowledge, functional studies have not been reported for this variant. This variant has not been reported in individuals affected with Wilson disease in the literature. This variant has been identified in 8/280730 chromosomes in the general population by the Genome Aggregation Database (gnomAD). The available evidence is insufficient to determine the role of this variant in disease conclusively. Therefore, this variant is classified as a Variant of Uncertain Significance.

Labcorp Genetics (formerly Invitae), Labcorp
Classification: Uncertain significance for Wilson disease. Last evaluated: 2021-08-20. Review status: criteria provided, single submitter. Criteria: Invitae Variant Classification Sherloc (09022015). Collection method: clinical testing. Allele origin: germline.
Comment: This sequence change replaces valine with isoleucine at codon 1425 of the ATP7B protein (p.Val1425Ile). The valine residue is weakly conserved and there is a small physicochemical difference between valine and isoleucine. This variant is present in population databases (rs368382723, ExAC 0.04%). This variant has not been reported in the literature in individuals affected with ATP7B-related conditions. Algorithms developed to predict the effect of missense changes on protein structure and function output the following: SIFT: "Tolerated"; PolyPhen-2: "Benign"; Align-GVGD: "Class C0". The isoleucine amino acid residue is found in multiple mammalian species, which suggests that this missense change does not adversely affect protein function. In summary, the available evidence is currently insufficient to determine the role of this variant in disease. Therefore, it has been classified as a Variant of Uncertain Significance.

NM_000053.4(ATP7B):c.4273G>A (p.Val1425Ile)

Gene: ATP7B (ATPase copper transporting beta; minus strand). Cytogenetic location: 13q14.3.
Variant type: single nucleotide variant.
Coding change: c.4273G>A on transcript NM_000053.4 (MANE Select); coding-DNA position 4273, G replaced by A.
Protein change: p.Val1425Ile; replaces valine 1425 with isoleucine.
Molecular consequence: missense variant.
Genome position (GRCh38, 1-based): chr13:51,934,881, C>T on the plus strand (G>A on the coding strand, the complement: ATP7B is on the minus strand). VCF-style: chr13-51934881-C-T. GRCh37 (hg19) VCF-style: chr13-52509017-C-T.
Other names: c.4090G>A, p.Val1364Ile (NM_001406523.1); c.4096G>A, p.Val1366Ile (NM_001406524.1); c.4078G>A, p.Val1360Ile (NM_001406525.1); c.4069G>A, p.Val1357Ile (NM_001406526.1); c.4039G>A, p.Val1347Ile (NM_001406527.1, NM_001406528.1, NM_001330578.2); c.4033G>A, p.Val1345Ile (NM_001406530.1); c.4021G>A, p.Val1341Ile (NM_001406531.1, NM_001406532.1, NM_001330579.2); c.3985G>A, p.Val1329Ile (NM_001406534.1); and 21 more; short protein forms V1144I, V1282I, V1299I, V1329I, V1341I, V1345I, V1357I, V1360I.
Identifiers: ClinVar variation 2141514 (VCV002141514.5), dbSNP rs368382723, ClinGen allele CA6988439.